The following is an entry in ClinVar:

NM_019066.5(MAGEL2):c.2408C>T (p.Ala803Val)

Gene: MAGEL2 (MAGE family member L2; minus strand). Cytogenetic location: 15q11.2.
Variant type: single nucleotide variant.
Coding change: c.2408C>T on transcript NM_019066.5 (MANE Select); coding-DNA position 2408, C replaced by T.
Protein change: p.Ala803Val; replaces alanine 803 with valine.
Molecular consequence: missense variant.
Genome position (GRCh38, 1-based): chr15:23,645,335, G>A on the plus strand (C>T on the coding strand, the complement: MAGEL2 is on the minus strand). VCF-style: chr15-23645335-G-A. GRCh37 (hg19) VCF-style: chr15-23890482-G-A.
Other names: short protein forms A803V.
Identifiers: ClinVar variation 2636848 (VCV002636848.3), dbSNP rs371119917, ClinGen allele CA7429902.

ClinVar aggregate classification (germline): Uncertain significance (0 of 4 stars; one submission).

Conditions:
MAGEL2-related disorder. Also called: MAGEL2-related condition.

gnomAD v4.1: 6 of 1,613,886 alleles (0.00037%); highest among the groups gnomAD compares: Non-Finnish European, 0.00051%; no homozygotes.

Submission:

PreventionGenetics, part of Exact Sciences
Classification: Uncertain significance for MAGEL2-related condition. Last evaluated: 2024-04-17. Review status: no assertion criteria provided. Collection method: clinical testing. Allele origin: germline.
Comment: The MAGEL2 c.2408C>T variant is predicted to result in the amino acid substitution p.Ala803Val. To our knowledge, this variant has not been reported in the literature. This variant is reported in 0.0023% of alleles in individuals of European (Non-Finnish) descent in gnomAD. At this time, the clinical significance of this variant is uncertain due to the absence of conclusive functional and genetic evidence.